The following is an entry in ClinVar:

NM_002133.3(HMOX1):c.254G>T (p.Arg85Leu)

Gene: HMOX1 (heme oxygenase 1; plus strand). Cytogenetic location: 22q12.3.
Variant type: single nucleotide variant.
Coding change: c.254G>T on transcript NM_002133.3 (MANE Select); coding-DNA position 254, G replaced by T.
Protein change: p.Arg85Leu; replaces arginine 85 with leucine.
Molecular consequence: missense variant.
Genome position (GRCh38, 1-based): chr22:35,386,794, G>T. VCF-style: chr22-35386794-G-T. GRCh37 (hg19) VCF-style: chr22-35782787-G-T.
Other names: short protein forms R85L.
Identifiers: ClinVar variation 1021518 (VCV001021518.8), dbSNP rs766527808, ClinGen allele CA411352338.
Genomic context (GRCh38, chr22:35,386,794, plus strand): 5'-TTGAGCGCAACAAGGAGAGCCCAGTCTTCGCCCCTGTCTACTTCCCAGAAGAGCTGCACC[G>T]CAAGGCTGCCCTGGAGCAGGACCTGGCCTTCTGGTACGGGCCCCGCTGGCAGGAGGTCAT-3'
Protein context (NP_002124.1, residues 75-95): APVYFPEELH[Arg85Leu]KAALEQDLAF

ClinVar aggregate classification (germline): Uncertain significance (1 of 4 stars; one submission).

Submission:

Labcorp Genetics (formerly Invitae), Labcorp
Classification: Uncertain significance. Last evaluated: 2022-04-18. Review status: criteria provided, single submitter. Criteria: Invitae Variant Classification Sherloc (09022015). Collection method: clinical testing. Allele origin: germline.
Comment: In summary, the available evidence is currently insufficient to determine the role of this variant in disease. Therefore, it has been classified as a Variant of Uncertain Significance. Algorithms developed to predict the effect of missense changes on protein structure and function (SIFT, PolyPhen-2, Align-GVGD) all suggest that this variant is likely to be disruptive. ClinVar contains an entry for this variant (Variation ID: 1021518). This variant has not been reported in the literature in individuals affected with HMOX1-related conditions. This variant is not present in population databases (gnomAD no frequency). This sequence change replaces arginine, which is basic and polar, with leucine, which is neutral and non-polar, at codon 85 of the HMOX1 protein (p.Arg85Leu).